The following is an entry in ClinVar:

ClinVar aggregate classification (germline): Uncertain significance (1 of 4 stars; one submission).

Conditions:
Nanophthalmos 1 (TMEM98). Also called: NNO1; MICROPHTHALMOS, SIMPLE, AUTOSOMAL DOMINANT; NANOPHTHALMIA 1; NANOPHTHALMOS WITH HIGH HYPEROPIA AND ANGLE-CLOSURE GLAUCOMA; NANOPHTHALMOS, AUTOSOMAL DOMINANT. Identifiers: Orphanet 35612, MedGen C1838502, MONDO:0010836, OMIM 600165.

gnomAD v4.1: 4 of 1,613,882 alleles (0.00025%); highest among the groups gnomAD compares: South Asian, 0.0011%; no homozygotes.

Submission:

OLLIN Analises Genomicas, OLLIN
Classification: Uncertain significance for Nanophthalmos 1. Last evaluated: 2026-08-06. Review status: criteria provided, single submitter. Criteria: ACMG Guidelines 2015 PMID 25741868. Collection method: clinical testing. Allele origin: germline. Inheritance: Autosomal dominant inheritance.
Comment: This missense variant, located in exon 7 (of 27), has been observed in gnomAD with an allele frequency of 0.00025%, but has not been reported in ClinVar or identified in the literature. In silico analysis predicts that this variant has a tolerated effect. This gene is constrained for missense variation. According to the currently available evidence, this variant has been classified as uncertain significance (PP2, BP4_M).

NM_001127392.3(MYRF):c.1106A>G (p.Tyr369Cys)

Gene: MYRF (myelin regulatory factor; plus strand). Cytogenetic location: 11q12.2.
Variant type: single nucleotide variant.
Coding change: c.1106A>G on transcript NM_001127392.3 (MANE Select); coding-DNA position 1106, A replaced by G.
Protein change: p.Tyr369Cys; replaces tyrosine 369 with cysteine.
Molecular consequence: missense variant.
Genome position (GRCh38, 1-based): chr11:61,771,943, A>G. VCF-style: chr11-61771943-A-G. GRCh37 (hg19) VCF-style: chr11-61539415-A-G.
Other names: c.1079A>G, p.Tyr360Cys (NM_013279.4); short protein forms Y360C, Y369C.
Identifiers: ClinVar variation 5002774 (VCV005002774.1).